The following is an entry in ClinVar:

NM_014425.5(INVS):c.1400G>A (p.Gly467Asp)

Gene: INVS (inversin; plus strand). Cytogenetic location: 9q31.1.
Variant type: single nucleotide variant.
Coding change: c.1400G>A on transcript NM_014425.5 (MANE Select); coding-DNA position 1400, G replaced by A.
Protein change: p.Gly467Asp; replaces glycine 467 with aspartic acid.
Molecular consequence: missense variant. On other transcripts: non-coding transcript variant (1).
Genome position (GRCh38, 1-based): chr9:100,253,072, G>A. VCF-style: chr9-100253072-G-A. GRCh37 (hg19) VCF-style: chr9-103015354-G-A.
Other names: c.1112G>A, p.Gly371Asp (NM_001318381.2); c.422G>A, p.Gly141Asp (NM_001318382.2); short protein forms G141D, G371D, G467D.
Identifiers: ClinVar variation 4282042 (VCV004282042.1).

ClinVar aggregate classification (germline): Uncertain significance (1 of 4 stars; one submission).

gnomAD v4.1: 1 of 1,613,932 alleles (0.000062%); highest among the groups gnomAD compares: East Asian, 0.0022%; no homozygotes.

Submission:

GeneDx
Classification: Uncertain significance. Last evaluated: 2025-04-14. Review status: criteria provided, single submitter. Criteria: GeneDx Variant Classification Process June 2021. Collection method: clinical testing. Allele origin: germline. Affected: yes.
Comment: Not observed at significant frequency in large population cohorts (gnomAD); In silico analysis supports that this missense variant has a deleterious effect on protein structure/function; Has not been previously published as pathogenic or benign to our knowledge